The following is an entry in ClinVar:

NM_004082.5(DCTN1):c.1813T>G (p.Cys605Gly)

Gene: DCTN1 (dynactin subunit 1; minus strand). Cytogenetic location: 2p13.1.
Variant type: single nucleotide variant.
Coding change: c.1813T>G on transcript NM_004082.5 (MANE Select); coding-DNA position 1813, T replaced by G.
Protein change: p.Cys605Gly; replaces cysteine 605 with glycine.
Molecular consequence: missense variant. On other transcripts: non-coding transcript variant (1).
Genome position (GRCh38, 1-based): chr2:74,368,769, A>C on the plus strand (T>G on the coding strand, the complement: DCTN1 is on the minus strand). VCF-style: chr2-74368769-A-C. GRCh37 (hg19) VCF-style: chr2-74595896-A-C.
Other names: c.1753T>G, p.Cys585Gly (NM_001135040.3); c.1411T>G, p.Cys471Gly (NM_001135041.3, NM_023019.4); c.1702T>G, p.Cys568Gly (NM_001190836.2); c.1792T>G, p.Cys598Gly (NM_001190837.2); c.1762T>G, p.Cys588Gly (NM_001378991.1); c.1744T>G, p.Cys582Gly (NM_001378992.1); short protein forms C568G, C585G, C588G, C598G, C605G, C471G, C582G.
Identifiers: ClinVar variation 946725 (VCV000946725.11), dbSNP rs1674611581, ClinGen allele CA347355109.
Genomic context (GRCh38, chr2:74,368,769, plus strand): 5'-TGTGATTGATTGGCCATACCTTGCAAATGAGACGAGGCATGAGCAACAGCACCAGAACGC[A>C]GTCATGGTCCCCACCTGGCCGAAGGAAGCTGTCAGGCATGAAGGCTGTCAGCAGGGACAT-3'
Protein context (NP_004073.2, residues 595-615): SFLRPGGDHD[Cys605Gly]VLVLLLMPRL

ClinVar aggregate classification (germline): Uncertain significance. Review status: criteria provided, multiple submitters, no conflicts (2 of 4 stars). 2 submissions from 2 submitters: Uncertain significance (2). Last evaluated 2025-05-27.

Conditions:
Neuronopathy, distal hereditary motor, type 7B. Also called: Distal Hereditary Motor Neuronopathy Type 7B (dHMN7B); HMN VIIB; NEURONOPATHY, DISTAL HEREDITARY MOTOR, AUTOSOMAL DOMINANT 14; NEURONOPATHY, DISTAL HEREDITARY MOTOR, HARDING TYPE VIIB; NEUROPATHY, DISTAL HEREDITARY MOTOR, HARDING TYPE VIIB; NEUROPATHY, DISTAL HEREDITARY MOTOR, WITH VOCAL CORD PARALYSIS, HARDING TYPE VIIB. Identifiers: Orphanet 139589, MedGen C1843315, MONDO:0011879, OMIM 607641.
Amyotrophic lateral sclerosis type 1 (ALS1). Also called: AMYOTROPHIC LATERAL SCLEROSIS 1, FAMILIAL. Identifiers: Orphanet 803, MedGen C1862939, MONDO:0007103, OMIM 105400.
Perry syndrome. Also called: PARKINSONISM WITH ALVEOLAR HYPOVENTILATION AND MENTAL DEPRESSION. Identifiers: Orphanet 178509, MedGen C1868594, MONDO:0008201, OMIM 168605.

Submissions (2):

Women's Health and Genetics/Laboratory Corporation of America, LabCorp
Classification: Uncertain significance. Last evaluated: 2025-05-27. Review status: criteria provided, single submitter. Criteria: LabCorp Variant Classification Summary - May 2015. Collection method: clinical testing. Allele origin: germline.
Comment: Variant summary: DCTN1 c.1813T>G (p.Cys605Gly) results in a non-conservative amino acid change in the encoded protein sequence. Algorithms developed to predict the effect of missense changes on protein structure and function all suggest that this variant is likely to be disruptive. The variant was absent in 251490 control chromosomes (gnomAD). The available data on variant occurrences in the general population are insufficient to allow any conclusion about variant significance. To our knowledge, no occurrence of c.1813T>G in individuals affected with Neuronopathy, distal hereditary motor, type 7B and no experimental evidence demonstrating its impact on protein function have been reported. ClinVar contains an entry for this variant (Variation ID: 946725). Based on the evidence outlined above, the variant was classified as uncertain significance.

Labcorp Genetics (formerly Invitae), Labcorp
Classification: Uncertain significance for Amyotrophic lateral sclerosis type 1; Neuronopathy, distal hereditary motor, type 7B; Perry syndrome. Last evaluated: 2019-07-10. Review status: criteria provided, single submitter. Criteria: Invitae Variant Classification Sherloc (09022015). Collection method: clinical testing. Allele origin: germline.
Comment: This sequence change replaces cysteine with glycine at codon 605 of the DCTN1 protein (p.Cys605Gly). The cysteine residue is highly conserved and there is a large physicochemical difference between cysteine and glycine. This variant is not present in population databases (ExAC no frequency). This variant has not been reported in the literature in individuals with DCTN1-related conditions. Algorithms developed to predict the effect of missense changes on protein structure and function (SIFT, PolyPhen-2, Align-GVGD) all suggest that this variant is likely to be disruptive, but these predictions have not been confirmed by published functional studies and their clinical significance is uncertain. In summary, the available evidence is currently insufficient to determine the role of this variant in disease. Therefore, it has been classified as a Variant of Uncertain Significance.